The following is an entry in ClinVar:

NM_021096.4(CACNA1I):c.2354G>C (p.Gly785Ala)

Gene: CACNA1I (calcium voltage-gated channel subunit alpha1 I; plus strand). Cytogenetic location: 22q13.1.
Variant type: single nucleotide variant.
Coding change: c.2354G>C on transcript NM_021096.4 (MANE Select); coding-DNA position 2354, G replaced by C.
Protein change: p.Gly785Ala; replaces glycine 785 with alanine.
Molecular consequence: missense variant.
Genome position (GRCh38, 1-based): chr22:39,659,456, G>C. VCF-style: chr22-39659456-G-C. GRCh37 (hg19) VCF-style: chr22-40055461-G-C.
Other names: c.2249G>C, p.Gly750Ala (NM_001003406.2); short protein forms G750A, G785A.
Identifiers: ClinVar variation 5009550 (VCV005009550.1).

ClinVar aggregate classification (germline): Uncertain significance (1 of 4 stars; one submission).

Submission:

GeneDx
Classification: Uncertain significance. Last evaluated: 2026-03-20. Review status: criteria provided, single submitter. Criteria: GeneDx Variant Classification Process June 2021. Collection method: clinical testing. Allele origin: germline.
Comment: Not observed at significant frequency in large population cohorts (gnomAD); In silico analysis supports that this missense variant has a deleterious effect on protein structure/function; Has not been previously published as pathogenic or benign to our knowledge